The following is an entry in ClinVar:

ClinVar aggregate classification (germline): Pathogenic (3 of 4 stars; one submission).

Conditions:
Marfan syndrome (MFS). Also called: MARFAN SYNDROME, TYPE I; FBN1-Related Marfan Syndrome; Marfan syndrome type 1; Marfan's syndrome; Marfan syndrome, classic. Identifiers: Orphanet 284963, Orphanet 558, MedGen C0024796, MONDO:0007947, OMIM 154700.

Submission:

ClinGen FBN1 Variant Curation Expert Panel, ClinGen
Classification: Pathogenic for Marfan syndrome. Last evaluated: 2023-09-26. Review status: reviewed by expert panel. Criteria: Assertion Criteria VCEP FBN1 Version 1. Collection method: curation. Allele origin: germline. Inheritance: Autosomal dominant inheritance.
Comment: NM_000138.5 c.3603C>A is a nonsense variant in FBN1 predicted to substitute the cysteine at amino acid position 1201 for a premature termination codon. This is expected to result in an absent or disrupted protein product (PVS1). This variant was found in a proband with clinical suspicion for Marfan syndrome with limited clinical description (PMID: 21907952) and was also found to be de novo in a patient with ectopia lentis, TAAD, and skeletal features, a phenotype highly specific to FBN1 (PM6, PP4; Bichat). This variant has not been submitted to ClinVar and is not present in gnomAD (PM2_supporting). In summary, this variant meets criteria to be classified as pathogenic for Marfan syndrome based on the ACMG/AMP criteria applied, as specified by the ClinGen FBN1 VCEP: PVS1, PM6, PM2_supporting, PP4.

NM_000138.5(FBN1):c.3603C>A (p.Cys1201Ter)

Gene: FBN1 (fibrillin 1; minus strand). Cytogenetic location: 15q21.1.
Variant type: single nucleotide variant.
Coding change: c.3603C>A on transcript NM_000138.5 (MANE Select); coding-DNA position 3603, C replaced by A.
Protein change: p.Cys1201Ter; replaces cysteine 1201 with a stop codon.
Molecular consequence: nonsense.
Genome position (GRCh38, 1-based): chr15:48,485,483, G>T on the plus strand (C>A on the coding strand, the complement: FBN1 is on the minus strand). VCF-style: chr15-48485483-G-T. GRCh37 (hg19) VCF-style: chr15-48777680-G-T.
Other names: NM_000138.5:c.3603C>A; c.3603C>A, p.Cys1201Ter (NM_001406716.1); short protein forms C1201*.
Identifiers: ClinVar variation 2581043 (VCV002581043.1), dbSNP rs2505545181, ClinGen allele CA392324693.